The following is an entry in ClinVar:

ClinVar aggregate classification (germline): Benign/Likely benign. Review status: criteria provided, multiple submitters, no conflicts (2 of 4 stars). 3 submissions from 3 submitters: Benign (1); Likely benign (2). Last evaluated 2026-01-19.

Conditions:
Developmental and epileptic encephalopathy, 42 (DEE42A). Also called: Epileptic encephalopathy, early infantile, 42; DEVELOPMENTAL AND EPILEPTIC ENCEPHALOPATHY 42A; EPILEPTIC ENCEPHALOPATHY, EARLY INFANTILE, 42A. Identifiers: MedGen C4310716, MONDO:0014917, OMIM 617106.
Episodic ataxia type 2 (EA2). Also called: ATAXIA, EPISODIC, WITH NYSTAGMUS; ATAXIA, FAMILIAL PAROXYSMAL; CEREBELLAR ATAXIA, PAROXYSMAL, ACETAZOLAMIDE-RESPONSIVE; CEREBELLOPATHY, HEREDITARY PAROXYSMAL; EPISODIC ATAXIA, NYSTAGMUS-ASSOCIATED; ACETAZOLAMIDE-RESPONSIVE HEREDITARY PAROXYSMAL CEREBELLAR ATAXIA. Identifiers: Orphanet 97, MedGen C1720416, MONDO:0007163, OMIM 108500.

Allele frequency attached by ClinVar (database versions not stated): gnomAD exomes 0.00001 and 0.00005; ExAC 0.00008; ESP Exome Variant Server 0.00008; 1000 Genomes Project 30x 0.00016; TOPMed 0.00016; gnomAD 0.00017 and 0.00019; 1000 Genomes Project 0.00020.
gnomAD v4.1: 42 of 1,547,666 alleles (0.0027%); highest among the groups gnomAD compares: African/African-American, 0.056%; no homozygotes.

Submissions (3):

Women's Health and Genetics/Laboratory Corporation of America, LabCorp
Classification: Likely benign. Last evaluated: 2026-01-19. Review status: criteria provided, single submitter. Criteria: LabCorp Variant Classification Summary - May 2015. Collection method: clinical testing. Allele origin: germline.

Labcorp Genetics (formerly Invitae), Labcorp
Classification: Benign for Developmental and epileptic encephalopathy, 42; Episodic ataxia type 2. Last evaluated: 2025-10-13. Review status: criteria provided, single submitter. Criteria: Invitae Variant Classification Sherloc (09022015). Collection method: clinical testing. Allele origin: germline.

GeneDx
Classification: Likely benign. Last evaluated: 2017-03-17. Review status: criteria provided, single submitter. Criteria: GeneDx Variant Classification (06012015). Collection method: clinical testing. Allele origin: germline. Affected: yes.
Comment: This variant is considered likely benign or benign based on one or more of the following criteria: it is a conservative change, it occurs at a poorly conserved position in the protein, it is predicted to be benign by multiple in silico algorithms, and/or has population frequency not consistent with disease.

NM_001127222.2(CACNA1A):c.4866+13T>C

Gene: CACNA1A (calcium voltage-gated channel subunit alpha1 A; minus strand). Cytogenetic location: 19p13.13.
Variant type: single nucleotide variant.
Coding change: c.4866+13T>C on transcript NM_001127222.2 (MANE Select); 13 bases into the intron after coding-DNA position 4866, T replaced by C.
Molecular consequence: intron variant.
Genome position (GRCh38, 1-based): chr19:13,252,978, A>G on the plus strand (T>C on the coding strand, the complement: CACNA1A is on the minus strand). VCF-style: chr19-13252978-A-G. GRCh37 (hg19) VCF-style: chr19-13363792-A-G.
Other names: c.4869+13T>C (NM_001127221.2, NM_001174080.2); c.4878+13T>C (NM_000068.4, NM_023035.3).
Identifiers: ClinVar variation 508182 (VCV000508182.10), dbSNP rs368876802, ClinGen allele CA9239923.
Genomic context (GRCh38, chr19:13,252,978, plus strand): 5'-CATCATCCAGGACCCATTGTTCCCCCTTGGGCTTCTCCCAAGCCCATAGCTGTAGCCCCA[A>G]GGTGGTACTTACCAGAATCCCAAAAGCCATGACTTTCAGCACACATTCCAGAGAGAAGAG-3'